The following is an entry in ClinVar:

NM_006206.6(PDGFRA):c.2674+3A>G

Gene: PDGFRA (platelet derived growth factor receptor alpha; plus strand). Cytogenetic location: 4q12.
Variant type: single nucleotide variant.
Coding change: c.2674+3A>G on transcript NM_006206.6 (MANE Select); 3 bases into the intron after coding-DNA position 2674, A replaced by G.
Molecular consequence: intron variant.
Genome position (GRCh38, 1-based): chr4:54,287,544, A>G. VCF-style: chr4-54287544-A-G. GRCh37 (hg19) VCF-style: chr4-55153711-A-G.
Other names: c.2749+3A>G (NM_001347828.2); c.2674+3A>G (NM_001347829.2); c.2713+3A>G (NM_001347830.2).
Identifiers: ClinVar variation 459063 (VCV000459063.14), dbSNP rs765356009, ClinGen allele CA2922917.

ClinVar aggregate classification (germline): Conflicting classifications of pathogenicity. Review status: criteria provided, conflicting classifications (1 of 4 stars). 2 submissions from 2 submitters: Uncertain significance (1); Benign (1). Last evaluated 2025-12-03.

Conditions:
Gastrointestinal stromal tumor. Also called: Gastrointestinal stroma tumor; Gastrointestinal stromal tumor, somatic. Identifiers: Orphanet 44890, MedGen C0238198, MeSH D046152, MONDO:0011719, OMIM 606764, HP:0100723.
Hereditary cancer-predisposing syndrome. Also called: Tumor predisposition; Hereditary neoplastic syndrome; Neoplastic Syndromes, Hereditary; Hereditary Cancer Syndrome. Identifiers: Orphanet 140162, MedGen C0027672, MeSH D009386, MONDO:0015356.

Allele frequency attached by ClinVar (database versions not stated): ExAC 0.00002; gnomAD exomes 0.00002 and 0.00003.
gnomAD v4.1: 18 of 1,153,372 alleles (0.0016%); highest among the groups gnomAD compares: South Asian, 0.02%; no homozygotes.

Submissions (2):

Labcorp Genetics (formerly Invitae), Labcorp
Classification: Uncertain significance for Gastrointestinal stromal tumor. Last evaluated: 2025-12-03. Review status: criteria provided, single submitter. Criteria: Invitae Variant Classification Sherloc (09022015). Collection method: clinical testing. Allele origin: germline.
Comment: This sequence change falls in intron 19 of the PDGFRA gene. It does not directly change the encoded amino acid sequence of the PDGFRA protein. It affects a nucleotide within the consensus splice site. This variant is present in population databases (rs765356009, gnomAD 0.02%). This variant has not been reported in the literature in individuals affected with PDGFRA-related conditions. ClinVar contains an entry for this variant (Variation ID: 459063). Variants that disrupt the consensus splice site are a relatively common cause of aberrant splicing (PMID: 17576681, 9536098). Algorithms developed to predict the effect of sequence changes on RNA splicing suggest that this variant may disrupt the consensus splice site. In summary, the available evidence is currently insufficient to determine the role of this variant in disease. Therefore, it has been classified as a Variant of Uncertain Significance.

Ambry Genetics
Classification: Benign for Hereditary cancer-predisposing syndrome. Last evaluated: 2024-03-20. Review status: criteria provided, single submitter. Criteria: Ambry Variant Classification Scheme 2023. Collection method: clinical testing. Allele origin: germline.

Literature cited by the submitters: PubMed 17576681 (cited by Labcorp Genetics (formerly Invitae), Labcorp); PubMed 9536098 (cited by Labcorp Genetics (formerly Invitae), Labcorp).